The following is an entry in ClinVar:

NM_001040142.2(SCN2A):c.1598G>A (p.Arg533Lys)

Gene: SCN2A (sodium voltage-gated channel alpha subunit 2; plus strand). Cytogenetic location: 2q24.3.
Variant type: single nucleotide variant.
Coding change: c.1598G>A on transcript NM_001040142.2 (MANE Select); coding-DNA position 1598, G replaced by A.
Protein change: p.Arg533Lys; replaces arginine 533 with lysine.
Molecular consequence: missense variant.
Genome position (GRCh38, 1-based): chr2:165,315,685, G>A. VCF-style: chr2-165315685-G-A. GRCh37 (hg19) VCF-style: chr2-166172195-G-A.
Other names: c.1598G>A, p.Arg533Lys (NM_001040143.2, NM_001371246.1, NM_001371247.1 and 1 more transcripts); c.1598G>A (NM_021007.2); short protein forms R533K.
Identifiers: ClinVar variation 377208 (VCV000377208.8), dbSNP rs1057520163, ClinGen allele CA16603303.
Genomic context (GRCh38, chr2:165,315,685, plus strand): 5'-AGTCTGGAGAAGAAGAGAAAAATGACAGAGTCCGAAAATCGGAATCTGAAGACAGCATAA[G>A]AAGAAAAGGTTTCCGTTTTTCCTTGGAAGGAAGTAGGCTGACATATGAAAAGAGATTTTC-3'
Protein context (NP_001035232.1, residues 523-543): VRKSESEDSI[Arg533Lys]RKGFRFSLEG

ClinVar aggregate classification (germline): Uncertain significance. Review status: criteria provided, multiple submitters, no conflicts (2 of 4 stars). 4 submissions from 4 submitters: Uncertain significance (4). Last evaluated 2024-08-08.

Conditions:
Inborn genetic diseases. Identifiers: MedGen C0950123, MeSH D030342.
Developmental and epileptic encephalopathy, 11 (DEE11). Also called: Early infantile epileptic encephalopathy 11. Identifiers: Orphanet 1934, MedGen C3150987, MONDO:0013388, OMIM 613721.
Seizures, benign familial infantile, 3 (BFIS3). Also called: CONVULSIONS, BENIGN FAMILIAL INFANTILE, 3; Familial neonatal seizures. Identifiers: Orphanet 140927, Orphanet 306, MedGen C1843140, MONDO:0011904, OMIM 607745.

Allele frequency attached by ClinVar (database versions not stated): gnomAD 0.00001; TOPMed 0.00002; gnomAD exomes 0.00001.
gnomAD v4.1: 16 of 1,613,724 alleles (0.00099%); highest among the groups gnomAD compares: Non-Finnish European, 0.0014%; no homozygotes.

Submissions (4):

Labcorp Genetics (formerly Invitae), Labcorp
Classification: Uncertain significance for Seizures, benign familial infantile, 3; Developmental and epileptic encephalopathy, 11. Last evaluated: 2024-08-08. Review status: criteria provided, single submitter. Criteria: Invitae Variant Classification Sherloc (09022015). Collection method: clinical testing. Allele origin: germline.
Comment: This sequence change replaces arginine, which is basic and polar, with lysine, which is basic and polar, at codon 533 of the SCN2A protein (p.Arg533Lys). This variant is not present in population databases (gnomAD no frequency). This variant has not been reported in the literature in individuals affected with SCN2A-related conditions. ClinVar contains an entry for this variant (Variation ID: 377208). Advanced modeling of protein sequence and biophysical properties (such as structural, functional, and spatial information, amino acid conservation, physicochemical variation, residue mobility, and thermodynamic stability) performed at Invitae indicates that this missense variant is not expected to disrupt SCN2A protein function with a negative predictive value of 95%. In summary, the available evidence is currently insufficient to determine the role of this variant in disease. Therefore, it has been classified as a Variant of Uncertain Significance.

Ambry Genetics
Classification: Uncertain significance for Inborn genetic diseases. Last evaluated: 2023-12-08. Review status: criteria provided, single submitter. Criteria: Ambry Variant Classification Scheme 2023. Collection method: clinical testing. Allele origin: germline.

Blueprint Genetics
Classification: Uncertain significance. Last evaluated: 2019-10-09. Review status: criteria provided, single submitter. Criteria: ACMG Guidelines, 2015. Collection method: clinical testing. Allele origin: germline.

Center for Pediatric Genomic Medicine, Children's Mercy Hospital and Clinics
Classification: Uncertain significance. Last evaluated: 2016-09-02. Review status: criteria provided, single submitter. Criteria: ACMG Guidelines, 2015. Collection method: clinical testing. Allele origin: germline.
ClinVar note: Converted during submission from Uncertain Significance to Uncertain significance.